The following is an entry in ClinVar:

NM_000222.3(KIT):c.1852A>G (p.Met618Val)

Gene: KIT (KIT proto-oncogene, receptor tyrosine kinase; plus strand). Cytogenetic location: 4q12.
Variant type: single nucleotide variant.
Coding change: c.1852A>G on transcript NM_000222.3 (MANE Select); coding-DNA position 1852, A replaced by G.
Protein change: p.Met618Val; replaces methionine 618 with valine.
Molecular consequence: missense variant.
Genome position (GRCh38, 1-based): chr4:54,727,900, A>G. VCF-style: chr4-54727900-A-G. GRCh37 (hg19) VCF-style: chr4-55594066-A-G.
Other names: c.1840A>G, p.Met614Val (NM_001093772.2, NM_001385286.1); c.1855A>G, p.Met619Val (NM_001385284.1, NM_001385290.1); c.1852A>G, p.Met618Val (NM_001385285.1); c.1843A>G, p.Met615Val (NM_001385288.1, NM_001385292.1); short protein forms M614V, M615V, M619V, M618V.
Identifiers: ClinVar variation 1443771 (VCV001443771.6), dbSNP rs760939861, ClinGen allele CA356908172.

ClinVar aggregate classification (germline): Uncertain significance (1 of 4 stars; one submission).

Conditions:
Gastrointestinal stromal tumor. Also called: Gastrointestinal stroma tumor; Gastrointestinal stromal tumor, somatic. Identifiers: Orphanet 44890, MedGen C0238198, MeSH D046152, MONDO:0011719, OMIM 606764, HP:0100723.

gnomAD v4.1: 1 of 1,614,092 alleles (0.000062%); no homozygotes.

Submission:

Labcorp Genetics (formerly Invitae), Labcorp
Classification: Uncertain significance for Gastrointestinal stromal tumor. Last evaluated: 2025-05-27. Review status: criteria provided, single submitter. Criteria: Invitae Variant Classification Sherloc (09022015). Collection method: clinical testing. Allele origin: germline.
Comment: This sequence change replaces methionine, which is neutral and non-polar, with valine, which is neutral and non-polar, at codon 618 of the KIT protein (p.Met618Val). This variant is not present in population databases (gnomAD no frequency). This variant has not been reported in the literature in individuals affected with KIT-related conditions. ClinVar contains an entry for this variant (Variation ID: 1443771). An algorithm developed to predict the effect of missense changes on protein structure and function (PolyPhen-2) suggests that this variant is likely to be tolerated. In summary, the available evidence is currently insufficient to determine the role of this variant in disease. Therefore, it has been classified as a Variant of Uncertain Significance.